The following is an entry in ClinVar:

ClinVar aggregate classification (germline): Uncertain significance (1 of 4 stars; one submission).

Conditions:
Arrhythmogenic right ventricular dysplasia 13. Also called: ARRHYTHMOGENIC RIGHT VENTRICULAR CARDIOMYOPATHY 13; Arrhythmogenic right ventricular dysplasia, familial, 13. Identifiers: MedGen C3810138, MONDO:0000908, OMIM 615616.

Submission:

Labcorp Genetics (formerly Invitae), Labcorp
Classification: Uncertain significance for Arrhythmogenic right ventricular dysplasia 13. Last evaluated: 2022-08-27. Review status: criteria provided, single submitter. Criteria: Invitae Variant Classification Sherloc (09022015). Collection method: clinical testing. Allele origin: germline.
Comment: This variant results in a copy number gain of the genomic region encompassing exon(s) 7 of the CTNNA3 gene. While the exact position of this variant cannot be determined from the data, sub-genic copy number gains are generally in tandem (PMID: 25640679). This variant is predicted to be in-frame, and likely preserves the integrity of the reading frame. This variant has not been reported in the literature in individuals affected with CTNNA3-related conditions. In summary, the available evidence is currently insufficient to determine the role of this variant in disease. Therefore, it has been classified as a Variant of Uncertain Significance.

Literature cited by the submitters: PubMed 25640679.

NC_000010.10:g.(?_68940055)_(68940298_?)dup

Gene: CTNNA3 (catenin alpha 3; minus strand). Cytogenetic location: 10q21.3.
Variant type: Duplication.
Identifiers: ClinVar variation 474811 (VCV000474811.2).